The following is an entry in ClinVar:

NM_001374675.1(HSF4):c.394C>T (p.Arg132Cys)

Gene: HSF4 (heat shock transcription factor 4; plus strand). Cytogenetic location: 16q22.1.
Variant type: single nucleotide variant.
Coding change: c.394C>T on transcript NM_001374675.1 (MANE Select); coding-DNA position 394, C replaced by T.
Protein change: p.Arg132Cys; replaces arginine 132 with cysteine.
Molecular consequence: missense variant.
Genome position (GRCh38, 1-based): chr16:67,165,979, C>T. VCF-style: chr16-67165979-C-T. GRCh37 (hg19) VCF-style: chr16-67199882-C-T.
Other names: c.394C>T, p.Arg132Cys (NM_001040667.3, NM_001374674.1, NM_001538.4); short protein forms R132C.
Identifiers: ClinVar variation 320180 (VCV000320180.6), dbSNP rs769736356, ClinGen allele CA8101818.

ClinVar aggregate classification (germline): Conflicting classifications of pathogenicity. Review status: criteria provided, conflicting classifications (1 of 4 stars). 2 submissions from 2 submitters: Uncertain significance (1); Likely benign (1). Last evaluated 2024-05-01.

Conditions:
Inborn genetic diseases. Identifiers: MedGen C0950123, MeSH D030342.
Cataract 5 multiple types (CTRCT5). Also called: CATARACT, MARNER TYPE; CATARACT 5, LAMELLAR; Lamellar cataract. Identifiers: Orphanet 91492, MedGen C0266537, MONDO:0007290, OMIM 116800, HP:0007971.

Allele frequency attached by ClinVar (database versions not stated): gnomAD 0.00003 and 0.00004; TOPMed 0.00003; gnomAD exomes 0.00009; ExAC 0.00023.

Submissions (2):

Ambry Genetics
Classification: Uncertain significance for Inborn genetic diseases. Last evaluated: 2024-05-01. Review status: criteria provided, single submitter. Criteria: Ambry Variant Classification Scheme 2023. Collection method: clinical testing. Allele origin: germline.

Illumina Laboratory Services, Illumina
Classification: Likely benign for Cataract 5 multiple types. Last evaluated: 2018-01-13. Review status: criteria provided, single submitter. Criteria: ICSL Variant Classification Criteria 13 December 2019. Collection method: clinical testing. Allele origin: germline.
Comment: This variant was observed in the ICSL laboratory as part of a predisposition screen in an ostensibly healthy population. It had not been previously curated by ICSL or reported in the Human Gene Mutation Database (HGMD: prior to June 1st, 2018), and was therefore a candidate for classification through an automated scoring system. Utilizing variant allele frequency, disease prevalence and penetrance estimates, and inheritance mode, an automated score was calculated to assess if this variant is too frequent to cause the disease. Based on the score and internal cut-off values, a variant classified as likely benign is not then subjected to further curation. The score for this variant resulted in a classification of likely benign for this disease.